The following is an entry in ClinVar:

NM_004333.6(BRAF):c.1406G>T (p.Gly469Val)

Gene: BRAF (B-Raf proto-oncogene, serine/threonine kinase; minus strand). Cytogenetic location: 7q34.
Variant type: single nucleotide variant.
Coding change: c.1406G>T on transcript NM_004333.6 (MANE Select); coding-DNA position 1406, G replaced by T.
Protein change: p.Gly469Val; replaces glycine 469 with valine.
Molecular consequence: missense variant.
Genome position (GRCh38, 1-based): chr7:140,781,602, C>A on the plus strand (G>T on the coding strand, the complement: BRAF is on the minus strand). VCF-style: chr7-140781602-C-A. GRCh37 (hg19) VCF-style: chr7-140481402-C-A.
Other names: c.1406G>T, p.Gly469Val (NM_001354609.2, NM_001378468.1, NM_001378474.1); c.1526G>T, p.Gly509Val (NM_001374244.1, NM_001374258.1); c.1415G>T, p.Gly472Val (NM_001378467.1); c.1340G>T, p.Gly447Val (NM_001378469.1); c.1304G>T, p.Gly435Val (NM_001378470.1); c.1295G>T, p.Gly432Val (NM_001378471.1); c.1250G>T, p.Gly417Val (NM_001378472.1, NM_001378473.1); c.1142G>T, p.Gly381Val (NM_001378475.1); short protein forms G469V, G381V, G435V, G447V, G417V, G432V, G472V, G509V.
Identifiers: ClinVar variation 44803 (VCV000044803.5), dbSNP rs121913355, ClinGen allele CA135085.

ClinVar aggregate classification (germline): Pathogenic (1 of 4 stars; one submission).
ClinVar aggregate classification (somatic clinical impact): Tier I - Strong (1 of 4 stars; one submission).

Conditions:
Non-small cell lung carcinoma (NSCLC). Also called: Non-small cell lung cancer. Identifiers: MedGen C0007131, MeSH D002289, MONDO:0005233, HP:0030358. Disease mechanism: Other.
Low grade glioma. Identifiers: MedGen C1997217, MONDO:0021637.

Submissions (2):

Institute for Genomic Medicine (IGM) Clinical Laboratory, Nationwide Children's Hospital
Classification: Tier I - Strong for Low grade glioma. Assertion type: diagnostic. Clinical significance: supports diagnosis. Last evaluated: 2025-07-20. Review status: criteria provided, single submitter. Criteria: AMP/ASCO/CAP Guidelines, 2017. Collection method: clinical testing. Allele origin: somatic. Affected: yes.
Comment: Variant has Tier I (strong) clinical significance as a diagnostic inclusion criterion in low grade glioma, based on the following evidence: 1) Documented in one or more cancer databases (e.g., St. Jude Pecan, COSMIC, CIViC, OncoKB). 2) Information in the literature supports potential biologic effect of variant (PMIDs: 26343582, 28947956, 40664146). 3) Diagnostic for a specific tumor type/classification based on well-powered studies with expert-level consensus (Evidence Level B; PMIDs: 33585982, 32289278, 26810070, 23442159, 31617914).

Laboratory for Molecular Medicine, Mass General Brigham Personalized Medicine
Classification: Pathogenic for Non-small cell lung carcinoma. Last evaluated: 2011-12-30. Review status: criteria provided, single submitter. Criteria: LMM Criteria. Collection method: clinical testing. Allele origin: somatic. Observed: 2 variant alleles.

Literature cited by the submitters: PubMed 26343582 (cited by Institute for Genomic Medicine (IGM) Clinical Laboratory, Nationwide Children's Hospital); PubMed 28947956 (cited by Institute for Genomic Medicine (IGM) Clinical Laboratory, Nationwide Children's Hospital); PubMed 40664146 (cited by Institute for Genomic Medicine (IGM) Clinical Laboratory, Nationwide Children's Hospital); PubMed 33585982 (cited by Institute for Genomic Medicine (IGM) Clinical Laboratory, Nationwide Children's Hospital); PubMed 32289278 (cited by Institute for Genomic Medicine (IGM) Clinical Laboratory, Nationwide Children's Hospital); PubMed 26810070 (cited by Institute for Genomic Medicine (IGM) Clinical Laboratory, Nationwide Children's Hospital); PubMed 23442159 (cited by Institute for Genomic Medicine (IGM) Clinical Laboratory, Nationwide Children's Hospital); PubMed 31617914 (cited by Institute for Genomic Medicine (IGM) Clinical Laboratory, Nationwide Children's Hospital); PubMed 12068308 (cited by Laboratory for Molecular Medicine, Mass General Brigham Personalized Medicine).